The following is an entry in ClinVar:

NM_015693.4(INTU):c.2527C>T (p.Arg843Cys)

Gene: INTU (inturned planar cell polarity protein; plus strand). Cytogenetic location: 4q28.1.
Variant type: single nucleotide variant.
Coding change: c.2527C>T on transcript NM_015693.4 (MANE Select); coding-DNA position 2527, C replaced by T.
Protein change: p.Arg843Cys; replaces arginine 843 with cysteine.
Molecular consequence: missense variant.
Genome position (GRCh38, 1-based): chr4:127,711,070, C>T. VCF-style: chr4-127711070-C-T. GRCh37 (hg19) VCF-style: chr4-128632225-C-T.
Other names: short protein forms R843C.
Identifiers: ClinVar variation 1694474 (VCV001694474.4), dbSNP rs778337257, ClinGen allele CA3075351.

ClinVar aggregate classification (germline): Uncertain significance. Review status: criteria provided, multiple submitters, no conflicts (2 of 4 stars). 2 submissions from 2 submitters: Uncertain significance (2). Last evaluated 2024-07-15.

Conditions:
Short-rib thoracic dysplasia 20 with polydactyly. Identifiers: MedGen C4693616, MONDO:0044328, OMIM 617925.
Orofaciodigital syndrome 17. Also called: OROFACIODIGITAL SYNDROME XVII; OFDS XVII; ORAL-FACIAL-DIGITAL SYNDROME, TYPE XVII. Identifiers: MedGen C4693640, MONDO:0033375, OMIM 617926.

Allele frequency attached by ClinVar (database versions not stated): ExAC 0.00004; gnomAD exomes 0.00004; TOPMed 0.00008; gnomAD 0.00013 and 0.00014.
gnomAD v4.1: 195 of 1,599,798 alleles (0.012%); highest among the groups gnomAD compares: Non-Finnish European, 0.016%; no homozygotes.

Submissions (2):

Labcorp Genetics (formerly Invitae), Labcorp
Classification: Uncertain significance. Last evaluated: 2024-07-15. Review status: criteria provided, single submitter. Criteria: Invitae Variant Classification Sherloc (09022015). Collection method: clinical testing. Allele origin: germline.
Comment: This sequence change replaces arginine, which is basic and polar, with cysteine, which is neutral and slightly polar, at codon 843 of the INTU protein (p.Arg843Cys). This variant is present in population databases (rs778337257, gnomAD 0.01%). This variant has not been reported in the literature in individuals affected with INTU-related conditions. ClinVar contains an entry for this variant (Variation ID: 1694474). Advanced modeling of protein sequence and biophysical properties (such as structural, functional, and spatial information, amino acid conservation, physicochemical variation, residue mobility, and thermodynamic stability) performed at Invitae indicates that this missense variant is expected to disrupt INTU protein function with a positive predictive value of 80%. In summary, the available evidence is currently insufficient to determine the role of this variant in disease. Therefore, it has been classified as a Variant of Uncertain Significance.

Suma Genomics
Classification: Uncertain significance for Orofaciodigital syndrome 17; Short-rib thoracic dysplasia 20 with polydactyly. Review status: criteria provided, single submitter. Criteria: ACMG Guidelines, 2015. Collection method: clinical testing. Allele origin: inherited. Inheritance: Autosomal recessive inheritance. Affected: yes.